The following is an entry in ClinVar:

ClinVar aggregate classification (germline): Uncertain significance (1 of 4 stars; one submission).

Conditions:
Brugada syndrome. Also called: Sudden unexpected nocturnal death syndrome; Sudden unexplained nocturnal death syndrome; Sudden Unexplained Death Syndrome; Sudden Unexplained Nocturnal Death Syndrome (SUNDS). Identifiers: Orphanet 130, MedGen C1142166, MONDO:0015263.

Submission:

Labcorp Genetics (formerly Invitae), Labcorp
Classification: Uncertain significance for Brugada syndrome. Last evaluated: 2022-09-20. Review status: criteria provided, single submitter. Criteria: Invitae Variant Classification Sherloc (09022015). Collection method: clinical testing. Allele origin: germline.
Comment: In summary, the available evidence is currently insufficient to determine the role of this variant in disease. Therefore, it has been classified as a Variant of Uncertain Significance. Advanced modeling of protein sequence and biophysical properties (such as structural, functional, and spatial information, amino acid conservation, physicochemical variation, residue mobility, and thermodynamic stability) performed at Invitae indicates that this missense variant is expected to disrupt GPD1L protein function. This variant has not been reported in the literature in individuals affected with GPD1L-related conditions. This variant is not present in population databases (gnomAD no frequency). This sequence change replaces leucine, which is neutral and non-polar, with histidine, which is basic and polar, at codon 120 of the GPD1L protein (p.Leu120His).

NM_015141.4(GPD1L):c.359T>A (p.Leu120His)

Gene: GPD1L (glycerol-3-phosphate dehydrogenase 1 like; plus strand). Cytogenetic location: 3p22.3.
Variant type: single nucleotide variant.
Coding change: c.359T>A on transcript NM_015141.4 (MANE Select); coding-DNA position 359, T replaced by A.
Protein change: p.Leu120His; replaces leucine 120 with histidine.
Molecular consequence: missense variant.
Genome position (GRCh38, 1-based): chr3:32,138,720, T>A. VCF-style: chr3-32138720-T-A. GRCh37 (hg19) VCF-style: chr3-32180212-T-A.
Other names: short protein forms L120H.
Identifiers: ClinVar variation 1719868 (VCV001719868.5), dbSNP rs2471396690, ClinGen allele CA351974401.